The following is an entry in ClinVar:

NM_002880.4(RAF1):c.297C>T (p.Phe99=)

Gene: RAF1 (Raf-1 proto-oncogene, serine/threonine kinase; minus strand). Cytogenetic location: 3p25.2.
Variant type: single nucleotide variant.
Coding change: c.297C>T on transcript NM_002880.4 (MANE Select); coding-DNA position 297, C replaced by T.
Protein change: p.Phe99=; no amino-acid change (phenylalanine 99 retained).
Molecular consequence: synonymous variant. On other transcripts: non-coding transcript variant (3), intron variant (4).
Genome position (GRCh38, 1-based): chr3:12,611,973, G>A on the plus strand (C>T on the coding strand, the complement: RAF1 is on the minus strand). VCF-style: chr3-12611973-G-A. GRCh37 (hg19) VCF-style: chr3-12653472-G-A.
Other names: c.297C>T, p.Phe99= (NM_001354689.3, NM_001354690.3, NM_001354693.3); c.78-2638C>T (NM_001354695.3, NM_001354692.3, NM_001354694.3 and 1 more transcripts).
Identifiers: ClinVar variation 544011 (VCV000544011.16), dbSNP rs376509458, ClinGen allele CA2259796.

ClinVar aggregate classification (germline): Likely benign. Review status: criteria provided, multiple submitters, no conflicts (2 of 4 stars). 5 submissions from 5 submitters: Likely benign (5). Last evaluated 2026-04-07.

Conditions:
Cardiovascular phenotype. Identifiers: MedGen CN230736.
RAF1-related disorder. Also called: RAF1-related disorders; RAF1-related condition.
RASopathy. Also called: Noonan spectrum disorder; rasopathies. Identifiers: Orphanet 536391, MedGen C5555857, MONDO:0021060.

Allele frequency attached by ClinVar (database versions not stated): gnomAD exomes 0.00001 and 0.00002; ExAC 0.00002; TOPMed 0.00005; gnomAD 0.00006 and 0.00008; ESP Exome Variant Server 0.00015.
gnomAD v4.1: 19 of 1,614,016 alleles (0.0012%); highest among the groups gnomAD compares: African/African-American, 0.019%; no homozygotes.

Submissions (5):

PreventionGenetics, part of Exact Sciences
Classification: Likely benign for RAF1-related condition. Last evaluated: 2026-04-07. Review status: criteria provided, single submitter. Criteria: ACMG Guidelines, 2015. Collection method: clinical testing. Allele origin: germline.
Comment: This variant is classified as likely benign based on ACMG/AMP sequence variant interpretation guidelines (Richards et al. 2015 PMID: 25741868, with internal and published modifications).

Labcorp Genetics (formerly Invitae), Labcorp
Classification: Likely benign for RASopathy. Last evaluated: 2025-05-06. Review status: criteria provided, single submitter. Criteria: Invitae Variant Classification Sherloc (09022015). Collection method: clinical testing. Allele origin: germline.

Molecular Diagnostic Laboratory for Inherited Cardiovascular Disease, Montreal Heart Institute
Classification: Likely benign. Last evaluated: 2025-04-09. Review status: criteria provided, single submitter. Criteria: ACMG Guidelines, 2015. Collection method: clinical testing. Allele origin: germline. Affected: no.
Comment: BP6;BP7

Blueprint Genetics
Classification: Likely benign. Last evaluated: 2022-06-29. Review status: criteria provided, single submitter. Criteria: ACMG Guidelines, 2015. Collection method: clinical testing. Allele origin: germline.

Ambry Genetics
Classification: Likely benign for Cardiovascular phenotype. Last evaluated: 2021-05-21. Review status: criteria provided, single submitter. Criteria: Ambry Variant Classification Scheme 2023. Collection method: clinical testing. Allele origin: germline.